The following is an entry in ClinVar:

ClinVar aggregate classification (germline): Uncertain significance (1 of 4 stars; one submission).

Allele frequency attached by ClinVar (database versions not stated): TOPMed below 0.00001; gnomAD 0.00001.
gnomAD v4.1: 8 of 1,610,088 alleles (0.0005%); highest among the groups gnomAD compares: East Asian, 0.0022%; no homozygotes.

Submission:

Labcorp Genetics (formerly Invitae), Labcorp
Classification: Uncertain significance. Last evaluated: 2023-10-16. Review status: criteria provided, single submitter. Criteria: Invitae Variant Classification Sherloc (09022015). Collection method: clinical testing. Allele origin: germline.
Comment: This sequence change falls in intron 14 of the ATP2B2 gene. It does not directly change the encoded amino acid sequence of the ATP2B2 protein. It affects a nucleotide within the consensus splice site. This variant is not present in population databases (gnomAD no frequency). This variant has not been reported in the literature in individuals affected with ATP2B2-related conditions. Variants that disrupt the consensus splice site are a relatively common cause of aberrant splicing (PMID: 17576681, 9536098). Algorithms developed to predict the effect of sequence changes on RNA splicing suggest that this variant is not likely to affect RNA splicing. In summary, the available evidence is currently insufficient to determine the role of this variant in disease. Therefore, it has been classified as a Variant of Uncertain Significance.

Literature cited by the submitters: PubMed 17576681; PubMed 9536098.

NM_001001331.4(ATP2B2):c.2511+6A>G

Gene: ATP2B2 (ATPase plasma membrane Ca2+ transporting 2; minus strand). Cytogenetic location: 3p25.3.
Variant type: single nucleotide variant.
Coding change: c.2511+6A>G on transcript NM_001001331.4 (MANE Select); 6 bases into the intron after coding-DNA position 2511, A replaced by G.
Molecular consequence: intron variant.
Genome position (GRCh38, 1-based): chr3:10,346,025, T>C on the plus strand (A>G on the coding strand, the complement: ATP2B2 is on the minus strand). VCF-style: chr3-10346025-T-C. GRCh37 (hg19) VCF-style: chr3-10387709-T-C.
Other names: c.2376+6A>G (NM_001353564.1, NM_001683.5, NM_001330611.3 and 1 more transcripts).
Identifiers: ClinVar variation 3019598 (VCV003019598.3), dbSNP rs1022354132, ClinGen allele CA70081416.